The following is an entry in ClinVar:

ClinVar aggregate classification (germline): Uncertain significance. Review status: criteria provided, multiple submitters, no conflicts (2 of 4 stars). 2 submissions from 2 submitters: Uncertain significance (2). Last evaluated 2025-12-09.

Conditions:
Emery-Dreifuss muscular dystrophy 5, autosomal dominant (EDMD5). Also called: EMERY-DREIFUSS MUSCULAR DYSTROPHY 5. Identifiers: Orphanet 261, MedGen C2751805, MONDO:0013072, OMIM 612999.

Allele frequency attached by ClinVar (database versions not stated): gnomAD 0.00002 and 0.00003; gnomAD exomes 0.00002 and 0.00004; TOPMed 0.00002; ExAC 0.00003; 1000 Genomes Project 30x 0.00016; 1000 Genomes Project 0.00020.
gnomAD v4.1: 14 of 1,614,214 alleles (0.00087%); highest among the groups gnomAD compares: Admixed American, 0.023%; no homozygotes.

Submissions (2):

Ambry Genetics
Classification: Uncertain significance. Last evaluated: 2025-12-09. Review status: criteria provided, single submitter. Criteria: Ambry Variant Classification Scheme 2023. Collection method: clinical testing. Allele origin: germline.

Labcorp Genetics (formerly Invitae), Labcorp
Classification: Uncertain significance for Emery-Dreifuss muscular dystrophy 5, autosomal dominant. Last evaluated: 2025-03-10. Review status: criteria provided, single submitter. Criteria: Invitae Variant Classification Sherloc (09022015). Collection method: clinical testing. Allele origin: germline.
Comment: This sequence change replaces alanine, which is neutral and non-polar, with threonine, which is neutral and polar, at codon 2777 of the SYNE2 protein (p.Ala2777Thr). This variant is present in population databases (rs187045714, gnomAD 0.03%). This variant has not been reported in the literature in individuals affected with SYNE2-related conditions. ClinVar contains an entry for this variant (Variation ID: 1437727). An algorithm developed to predict the effect of missense changes on protein structure and function (PolyPhen-2) suggests that this variant is likely to be tolerated. In summary, the available evidence is currently insufficient to determine the role of this variant in disease. Therefore, it has been classified as a Variant of Uncertain Significance.

NM_182914.3(SYNE2):c.8329G>A (p.Ala2777Thr)

Gene: SYNE2 (spectrin repeat containing nuclear envelope protein 2; plus strand). Cytogenetic location: 14q23.2.
Variant type: single nucleotide variant.
Coding change: c.8329G>A on transcript NM_182914.3 (MANE Select); coding-DNA position 8329, G replaced by A.
Protein change: p.Ala2777Thr; replaces alanine 2777 with threonine.
Molecular consequence: missense variant.
Genome position (GRCh38, 1-based): chr14:64,052,242, G>A. VCF-style: chr14-64052242-G-A. GRCh37 (hg19) VCF-style: chr14-64518960-G-A.
Other names: c.8329G>A, p.Ala2777Thr (NM_015180.6); c.8329G>A (NM_182914.2); short protein forms A2777T.
Identifiers: ClinVar variation 1437727 (VCV001437727.9), dbSNP rs187045714, ClinGen allele CA7221087.